The following is an entry in ClinVar:

NM_001039958.2(MESP2):c.146_161dup (p.Gln55fs)

Gene: MESP2 (mesoderm posterior bHLH transcription factor 2; plus strand). Cytogenetic location: 15q26.1.
Variant type: Duplication.
Coding change: c.146_161dup on transcript NM_001039958.2 (MANE Select); coding-DNA positions 146 to 161, 16 bases duplicated (GCGGACTCCCGCAGCC).
Protein change: p.Gln55fs; shifts the reading frame from glutamine 55.
Molecular consequence: frameshift variant.
Genome position (GRCh38, 1-based): chr15:89,776,503-89,776,518, GCGGACTCCCGCAGCC duplicated; duplicating any 16 consecutive bases within chr15:89,776,501-89,776,518 gives the same sequence; the c. name uses the placement nearest the transcript's 3' end. VCF-style (leftmost placement, unchanged base first): chr15-89776500-C-CCCGCGGACTCCCGCAG. GRCh37 (hg19) VCF-style: chr15-90319731-C-CCCGCGGACTCCCGCAG.
Other names: short protein forms Q55fs.
Identifiers: ClinVar variation 2837592 (VCV002837592.3), dbSNP rs1394440556, ClinGen allele CA619858917.

ClinVar aggregate classification (germline): Pathogenic (1 of 4 stars; one submission).

Submission:

Labcorp Genetics (formerly Invitae), Labcorp
Classification: Pathogenic. Last evaluated: 2024-01-12. Review status: criteria provided, single submitter. Criteria: Invitae Variant Classification Sherloc (09022015). Collection method: clinical testing. Allele origin: germline.
Comment: This sequence change creates a premature translational stop signal (p.Gln55Argfs*317) in the MESP2 gene. While this is not anticipated to result in nonsense mediated decay, it is expected to disrupt the last 343 amino acid(s) of the MESP2 protein. This variant is present in population databases (no rsID available, gnomAD 0.002%). This variant has not been reported in the literature in individuals affected with MESP2-related conditions. This variant disrupts a region of the MESP2 protein in which other variant(s) (p.Gly169Profs*199) have been determined to be pathogenic (PMID: 15122512, 18485326). This suggests that this is a clinically significant region of the protein, and that variants that disrupt it are likely to be disease-causing. For these reasons, this variant has been classified as Pathogenic.

Literature cited by the submitters: PubMed 15122512; PubMed 18485326.